The following is an entry in ClinVar:

NM_006393.3(NEBL):c.2518+14G>A

Gene: NEBL (nebulette; minus strand). Cytogenetic location: 10p12.31.
Variant type: single nucleotide variant.
Coding change: c.2518+14G>A on transcript NM_006393.3 (MANE Select); 14 bases into the intron after coding-DNA position 2518, G replaced by A.
Molecular consequence: intron variant.
Genome position (GRCh38, 1-based): chr10:20,812,755, C>T on the plus strand (G>A on the coding strand, the complement: NEBL is on the minus strand). VCF-style: chr10-20812755-C-T. GRCh37 (hg19) VCF-style: chr10-21101684-C-T.
Other names: c.421+14G>A (NM_001377326.1, NM_001377327.1, NM_001377328.1); c.529+14G>A (NM_213569.2, NM_001173484.2, NM_001377322.1); c.472+14G>A (NM_001377324.1); c.463+14G>A (NM_001377325.1); c.481+14G>A (NM_001377323.1).
Identifiers: ClinVar variation 385393 (VCV000385393.9), dbSNP rs551568597, ClinGen allele CA5432462.

ClinVar aggregate classification (germline): Likely benign. Review status: criteria provided, multiple submitters, no conflicts (2 of 4 stars). 2 submissions from 2 submitters: Likely benign (2). Last evaluated 2025-10-01.

Conditions:
Primary dilated cardiomyopathy (DCM). Also called: Dilated Cardiomyopathy. Identifiers: Orphanet 217604, MedGen C0007193, MeSH D002311, MONDO:0005021, HP:0001644. Inheritance: Various modes of inheritance.

Allele frequency attached by ClinVar (database versions not stated): ExAC 0.00003; gnomAD exomes 0.00003 and 0.00005; gnomAD 0.00004 and 0.00005; TOPMed 0.00004; 1000 Genomes Project 0.00020.
gnomAD v4.1: 56 of 1,613,726 alleles (0.0035%); highest among the groups gnomAD compares: Middle Eastern, 0.033%; no homozygotes.

Submissions (2):

Labcorp Genetics (formerly Invitae), Labcorp
Classification: Likely benign for Primary dilated cardiomyopathy. Last evaluated: 2025-10-01. Review status: criteria provided, single submitter. Criteria: Invitae Variant Classification Sherloc (09022015). Collection method: clinical testing. Allele origin: germline.

GeneDx
Classification: Likely benign. Last evaluated: 2016-04-11. Review status: criteria provided, single submitter. Criteria: GeneDx Variant Classification (06012015). Collection method: clinical testing. Allele origin: germline. Affected: yes.
Comment: This variant is considered likely benign or benign based on one or more of the following criteria: it is a conservative change, it occurs at a poorly conserved position in the protein, it is predicted to be benign by multiple in silico algorithms, and/or has population frequency not consistent with disease.